The following is an entry in ClinVar:

NM_002386.4(MC1R):c.502A>C (p.Ile168Leu)

Gene: MC1R (melanocortin 1 receptor; plus strand). Cytogenetic location: 16q24.3.
Variant type: single nucleotide variant.
Coding change: c.502A>C on transcript NM_002386.4 (MANE Select); coding-DNA position 502, A replaced by C.
Protein change: p.Ile168Leu; replaces isoleucine 168 with leucine.
Molecular consequence: missense variant.
Genome position (GRCh38, 1-based): chr16:89,919,760, A>C. VCF-style: chr16-89919760-A-C. GRCh37 (hg19) VCF-style: chr16-89986168-A-C.
Other names: short protein forms I168L.
Identifiers: ClinVar variation 4550296 (VCV004550296.1).
Genomic context (GRCh38, chr16:89,919,760, plus strand): 5'-TACGCACTGCGCTACCACAGCATCGTGACCCTGCCGCGGGCGCGGCGAGCCGTTGCGGCC[A>C]TCTGGGTGGCCAGTGTCGTCTTCAGCACGCTCTTCATCGCCTACTACGACCACGTGGCCG-3'
Protein context (NP_002377.4, residues 158-178): LPRARRAVAA[Ile168Leu]WVASVVFSTL

ClinVar aggregate classification (germline): Uncertain significance (1 of 4 stars; one submission).

gnomAD v4.1: 1 of 1,608,598 alleles (0.000062%); highest among the groups gnomAD compares: Non-Finnish European, 0.000085%; no homozygotes.

Submission:

Ambry Genetics
Classification: Uncertain significance. Last evaluated: 2025-10-03. Review status: criteria provided, single submitter. Criteria: Ambry Variant Classification Scheme 2023. Collection method: clinical testing. Allele origin: germline.
Comment: The p.I168L variant (also known as c.502A>C), located in coding exon 1 of the MC1R gene, results from an A to C substitution at nucleotide position 502. The isoleucine at codon 168 is replaced by leucine, an amino acid with highly similar properties. This amino acid position is conserved. In addition, this alteration is predicted to be tolerated by in silico analysis. Based on the available evidence, the clinical significance of this variant remains unclear.